The following is an entry in ClinVar:

NM_001032382.2(PQBP1):c.586C>T (p.Arg196Ter)

Gene: PQBP1 (polyglutamine binding protein 1; plus strand). Cytogenetic location: Xp11.23.
Variant type: single nucleotide variant.
Coding change: c.586C>T on transcript NM_001032382.2 (MANE Select); coding-DNA position 586, C replaced by T.
Protein change: p.Arg196Ter; replaces arginine 196 with a stop codon.
Molecular consequence: nonsense.
Genome position (GRCh38, 1-based): chrX:48,902,740, C>T. VCF-style: chrX-48902740-C-T. GRCh37 (hg19) VCF-style: chrX-48760017-C-T.
Other names: NM_001032382.2(PQBP1):c.586C>T; p.Arg196Ter; c.586C>T, p.Arg196Ter (NM_001032381.2, NM_001032383.2, NM_001032384.1 and 1 more transcripts); c.583C>T, p.Arg195Ter (NM_001167989.2); c.562C>T, p.Arg188Ter (NM_001167990.2); c.286C>T, p.Arg96Ter (NM_001167992.1); c.301C>T, p.Arg101Ter (NM_144495.3); short protein forms R196*, R188*, R101*, R195*, R96*.
Identifiers: ClinVar variation 545093 (VCV000545093.18), dbSNP rs1557041672, ClinGen allele CA412891085.

ClinVar aggregate classification (germline): Pathogenic/Likely pathogenic. Review status: criteria provided, multiple submitters, no conflicts (2 of 4 stars). 12 submissions from 12 submitters: Pathogenic (8); Likely pathogenic (1). 3 of the submissions do not count toward it. Last evaluated 2026-02-19.

Conditions:
Intellectual disability. Also called: Intellectual developmental disorder; intellectual disabilities; Intellectual functioning disability. Identifiers: MedGen C3714756, MeSH D008607, MONDO:0001071, HP:0001249.
PQBP1-related disorder. Also called: PQBP1-related condition.
Renpenning syndrome. Also called: SUTHERLAND-HAAN X-LINKED MENTAL RETARDATION SYNDROME; MENTAL RETARDATION, X-LINKED 55; MENTAL RETARDATION, X-LINKED, SYNDROMIC 8; GOLABI-ITO-HALL SYNDROME; Mental retardation, X-linked Renpenning type; X-linked mental retardation with spastic diplegia. Identifiers: Orphanet 3242, MedGen C0796135, MONDO:0010653, OMIM 309500.

Submissions (12):

Foundation for Research in Genetics and Endocrinology, FRIGE's Institute of Human Genetics
Classification: Pathogenic for Renpenning syndrome. Last evaluated: 2026-02-19. Review status: criteria provided, single submitter. Criteria: ACMG Guidelines, 2015. Collection method: clinical testing. Allele origin: germline. Inheritance: X-linked inheritance. Affected: yes. Observed: 1 variant allele, 1 hemizygote.
Comment: A hemizygous variant c.586C>T in exon 6 of the PQBP1 gene detected, that resulting in a premature termination codon at amino acid position 196. This variant has been reported in the dbSNP database (rs1557041672). This variant has not been reported in the 1000 genomes and gnomAD databases. The in-silico prediction of the variant is deleterious by MutationaTaster and DANN. In summary, the variant meets our criteria to be classified as pathogenic.

Labcorp Genetics (formerly Invitae), Labcorp
Classification: Pathogenic. Last evaluated: 2025-03-11. Review status: criteria provided, single submitter. Criteria: Invitae Variant Classification Sherloc (09022015). Collection method: clinical testing. Allele origin: germline.
Comment: This sequence change creates a premature translational stop signal (p.Arg196*) in the PQBP1 gene. It is expected to result in an absent or disrupted protein product. Loss-of-function variants in PQBP1 are known to be pathogenic (PMID: 20950397). This variant is not present in population databases (gnomAD no frequency). This premature translational stop signal has been observed in individual(s) with clinical features of Renpenning syndrome (PMID: 20950397, 30244542). ClinVar contains an entry for this variant (Variation ID: 545093). Algorithms developed to predict the effect of sequence changes on RNA splicing suggest that this variant may disrupt the consensus splice site. For these reasons, this variant has been classified as Pathogenic.

Broad Center for Mendelian Genomics, Broad Institute of MIT and Harvard
Classification: Likely pathogenic for Renpenning syndrome. Last evaluated: 2023-05-02. Review status: criteria provided, single submitter. Criteria: ACMG Guidelines, 2015. Collection method: curation. Allele origin: germline. Inheritance: X-linked inheritance.
Comment: The hemizygous p.Arg196Ter variant in PQBP1 was identified by our study in two brothers with Renpenning syndrome. The p.Arg196Ter variant in PQBP1 has been previously reported in 3 unrelated individuals with Renpenning syndrome 1 (PMID: 30244542, PMID: 20950397, ClinVar SCV000807517.2) and segregated with disease in 3 affected relatives from one family (PMID: 30244542). The number of reported affected individuals with this variant is greater than expected compared to non-affected individuals with this variant. This variant has also been reported in ClinVar (Variation ID: 545093) and has been interpreted as pathogenic or likely pathogenic by multiple submitters. This variant was absent from large population studies. This nonsense variant leads to a premature termination codon at position 196. This alteration occurs within the terminal 50 bases of the second to last exon and is more likely to escape nonsense mediated decay (NMD) and result in a truncated protein. Loss of function of the PQBP1 gene is an established disease mechanism in Renpenning syndrome 1. In summary, additional studies are required to fully establish its clinical significance, this variant is likely pathogenic for X-linked Renpenning syndrome 1. ACMG/AMP Criteria applied: PVS1_Strong, PS4_Moderate, PM2_Supporting, PP1 (Richards 2015).

GeneDx
Classification: Pathogenic. Last evaluated: 2022-12-13. Review status: criteria provided, single submitter. Criteria: GeneDx Variant Classification Process June 2021. Collection method: clinical testing. Allele origin: germline. Affected: yes.
Comment: Nonsense variant in the C-terminus predicted to result in protein truncation, as the last 70 amino acids are lost, and other loss-of-function variants have been reported downstream in the Human Gene Mutation Database (HGMD); Not observed at significant frequency in large population cohorts (gnomAD); This variant is associated with the following publications: (PMID: 25525159, 21315190, 20950397, 30244542, 25326635, 33504798)

Cambridge Genomics Laboratory, East Genomic Laboratory Hub, NHS Genomic Medicine Service
Classification: Pathogenic for Intellectual disability. Last evaluated: 2020-04-30. Review status: criteria provided, single submitter. Criteria: ACGS Best Practice Guidelines for Variant Classification in Rare Disease 2020. Collection method: clinical testing. Allele origin: germline. Affected: yes. Observed: 1 variant allele.

Centre for Mendelian Genomics, University Medical Centre Ljubljana
Classification: Pathogenic for Renpenning syndrome. Last evaluated: 2019-10-15. Review status: criteria provided, single submitter. Criteria: ACMG Guidelines, 2015. Collection method: clinical testing. Allele origin: unknown. Affected: yes.
Comment: This variant was classified as: Pathogenic. The following ACMG criteria were applied in classifying this variant: PVS1,PS1,PM2,. This variant was detected in hemizygous state.

Baylor Genetics
Classification: Pathogenic for Renpenning syndrome. Last evaluated: 2017-09-01. Review status: criteria provided, single submitter. Criteria: ACMG Guidelines, 2015. Collection method: clinical testing. Allele origin: maternal. Inheritance: X-linked inheritance. Affected: yes.

Greenwood Genetic Center Diagnostic Laboratories, Greenwood Genetic Center
Classification: Pathogenic for Renpenning syndrome. Review status: criteria provided, single submitter. Criteria: ACMG Guidelines, 2015. Collection method: research. Allele origin: germline. Affected: yes.

Juno Genomics, Hangzhou Juno Genomics, Inc
Classification: Pathogenic for Renpenning syndrome. Review status: criteria provided, single submitter. Criteria: ACMG Guidelines, 2015. Collection method: clinical testing. Allele origin: germline.
Comment: Absent from controls (or at extremely low frequency if recessive) in Genome Aggregation Database.;Null variant in a gene where loss of function (LOF) is a known mechanism of disease.;The prevalence of the variant in affected individuals is significantly increased compared to the prevalence in controls.;Co-segregation with disease in multiple affected family members.

PreventionGenetics, part of Exact Sciences
Classification: Pathogenic for PQBP1-related condition. Last evaluated: 2024-02-27. Review status: no assertion criteria provided. Collection method: clinical testing. Allele origin: germline. Not counted in ClinVar's aggregate classification.
Comment: The PQBP1 c.586C>T variant is predicted to result in premature protein termination (p.Arg196*). This variant has been reported in individuals with clinically recognizable characteristics of Renpenning syndrome (patient LIII-5, Germanaud et al. 2011. PubMed ID: 20950397; family 1, Abdel-Salam et al. 2018. PubMed ID: 30244542). This variant was also reported de novo in an individual from an X-linked developmental disorder study (Table S2: individual 272, Martin et al. 2021. PubMed ID: 33504798). This variant has not been reported in a large population database, indicating this variant is rare. This variant is reported as having interpretations of pathogenic and likely pathogenic in the ClinVar database. Nonsense variants in PQBP1 are expected to be pathogenic. This variant is interpreted as pathogenic.

Laboratory of Molecular Genetics (Pr. Bezieau's lab), CHU de Nantes
Classification: Pathogenic. Last evaluated: 2017-10-27. Review status: no assertion criteria provided. Collection method: clinical testing. Allele origin: germline. Affected: yes. Not counted in ClinVar's aggregate classification.

Service de Génétique Moléculaire, Hôpital Robert Debré
Classification: Likely pathogenic for Renpenning syndrome. Review status: no assertion criteria provided. Collection method: clinical testing. Allele origin: unknown. Affected: yes. Not counted in ClinVar's aggregate classification.

Literature cited by the submitters: PubMed 20950397 (cited by Labcorp Genetics (formerly Invitae), Labcorp and Baylor Genetics); PubMed 30244542 (cited by Labcorp Genetics (formerly Invitae), Labcorp); PubMed 25326635 (cited by Baylor Genetics).